The following is an entry in ClinVar:

ClinVar aggregate classification (germline): Uncertain significance (1 of 4 stars; one submission).

Allele frequency attached by ClinVar (database versions not stated): gnomAD 0.00001; TOPMed 0.00001.

Submission:

GeneDx
Classification: Uncertain significance. Last evaluated: 2019-01-07. Review status: criteria provided, single submitter. Criteria: GeneDx Variant Classification Process June 2021. Collection method: clinical testing. Allele origin: germline. Affected: yes.
Comment: Has not been previously published as pathogenic or benign to our knowledge; Not observed at a significant frequency in large population cohorts (Lek et al., 2016); In silico analysis, which includes protein predictors and evolutionary conservation, supports a deleterious effect

NM_004341.5(CAD):c.358G>T (p.Asp120Tyr)

Gene: CAD (carbamoyl-phosphate synthetase 2, aspartate transcarbamylase, and dihydroorotase; plus strand). Cytogenetic location: 2p23.3.
Variant type: single nucleotide variant.
Coding change: c.358G>T on transcript NM_004341.5 (MANE Select); coding-DNA position 358, G replaced by T.
Protein change: p.Asp120Tyr; replaces aspartic acid 120 with tyrosine.
Molecular consequence: missense variant.
Genome position (GRCh38, 1-based): chr2:27,222,199, G>T. VCF-style: chr2-27222199-G-T. GRCh37 (hg19) VCF-style: chr2-27445067-G-T.
Other names: c.358G>T, p.Asp120Tyr (NM_001306079.2); short protein forms D120Y.
Identifiers: ClinVar variation 1304474 (VCV001304474.2), dbSNP rs756979309, ClinGen allele CA1572398.